The following is an entry in ClinVar:

NM_001370259.2(MEN1):c.1312A>G (p.Thr438Ala)

Gene: MEN1 (menin 1; minus strand). Cytogenetic location: 11q13.1.
Variant type: single nucleotide variant.
Coding change: c.1312A>G on transcript NM_001370259.2 (MANE Select); coding-DNA position 1312, A replaced by G.
Protein change: p.Thr438Ala; replaces threonine 438 with alanine.
Molecular consequence: missense variant. On other transcripts: non-coding transcript variant (4), intron variant (1).
Genome position (GRCh38, 1-based): chr11:64,805,072, T>C on the plus strand (A>G on the coding strand, the complement: MEN1 is on the minus strand). VCF-style: chr11-64805072-T-C. GRCh37 (hg19) VCF-style: chr11-64572544-T-C.
Other names: c.1327A>G, p.Thr443Ala (NM_000244.4, NM_001407145.1, NM_130800.3 and 4 more transcripts); c.1438A>G, p.Thr480Ala (NM_001370251.2, NM_001407142.1, NM_001407143.1 and 1 more transcripts); c.1312A>G, p.Thr438Ala (NM_001370260.2, NM_001370261.2, NM_001407146.1 and 2 more transcripts); c.1207A>G, p.Thr403Ala (NM_001370262.2, NM_001370263.2, NM_001407148.1 and 1 more transcripts); c.1453A>G, p.Thr485Ala (NM_001407150.1); c.1333A>G, p.Thr445Ala (NM_001407151.1); c.1186-256A>G (NM_001407152.1); short protein forms T438A, T403A, T445A, T485A, T480A, T443A.
Identifiers: ClinVar variation 2865330 (VCV002865330.3), dbSNP rs2136100342, ClinGen allele CA381180210.
Genomic context (GRCh38, chr11:64,805,072, plus strand): 5'-CCTCTGTGCAGCTGTCCCTCACCTGTCCCTCAAAACGGCCTAGGGACTGCACAAGAAAGG[T>C]GGCCCAGCCCACATGCAGCACAGGCGTGGGACTGCCCTCCTCCCATTTGCAGATGCCGTC-3'
Protein context (NP_001357188.2, residues 428-448): PTPVLHVGWA[Thr438Ala]FLVQSLGRFE

ClinVar aggregate classification (germline): Uncertain significance (1 of 4 stars; one submission).

Conditions:
Multiple endocrine neoplasia, type 1 (MEN1). Also called: MEA I; MEN I; WERMER SYNDROME; Endocrine adenomatosis multiple; MEN 1. Identifiers: Orphanet 652, MedGen C0025267, MeSH D018761, MONDO:0007540, OMIM 131100.

Submission:

Labcorp Genetics (formerly Invitae), Labcorp
Classification: Uncertain significance for Multiple endocrine neoplasia, type 1. Last evaluated: 2023-05-18. Review status: criteria provided, single submitter. Criteria: Invitae Variant Classification Sherloc (09022015). Collection method: clinical testing. Allele origin: germline.
Comment: In summary, the available evidence is currently insufficient to determine the role of this variant in disease. Therefore, it has been classified as a Variant of Uncertain Significance. Advanced modeling of protein sequence and biophysical properties (such as structural, functional, and spatial information, amino acid conservation, physicochemical variation, residue mobility, and thermodynamic stability) performed at Invitae indicates that this missense variant is expected to disrupt MEN1 protein function. This variant has not been reported in the literature in individuals affected with MEN1-related conditions. This variant is not present in population databases (gnomAD no frequency). This sequence change replaces threonine, which is neutral and polar, with alanine, which is neutral and non-polar, at codon 438 of the MEN1 protein (p.Thr438Ala).